The following is an entry in ClinVar:

NM_015166.4(MLC1):c.274C>T (p.Pro92Ser)

Gene: MLC1 (modulator of VRAC current 1; minus strand). Cytogenetic location: 22q13.33.
Variant type: single nucleotide variant.
Coding change: c.274C>T on transcript NM_015166.4 (MANE Select); coding-DNA position 274, C replaced by T.
Protein change: p.Pro92Ser; replaces proline 92 with serine.
Molecular consequence: missense variant. On other transcripts: non-coding transcript variant (3), intron variant (2).
Genome position (GRCh38, 1-based): chr22:50,080,391, G>A on the plus strand (C>T on the coding strand, the complement: MLC1 is on the minus strand). VCF-style: chr22-50080391-G-A. GRCh37 (hg19) VCF-style: chr22-50518820-G-A.
Other names: c.274C>T, p.Pro92Ser (NM_001376472.1, NM_001376473.1, NM_001376474.1 and 7 more transcripts); c.184C>T, p.Pro62Ser (NM_001376480.1); c.37C>T, p.Pro13Ser (NM_001376484.1); c.267+2693C>T (NM_001376482.1, NM_001376483.1); short protein forms P92S, P13S, P62S.
Identifiers: ClinVar variation 4719 (VCV000004719.50), dbSNP rs121908345, ClinGen allele CA253253.

ClinVar aggregate classification (germline): Pathogenic/Likely pathogenic. Review status: criteria provided, multiple submitters, no conflicts (2 of 4 stars). 14 submissions from 14 submitters: Pathogenic (2); Likely pathogenic (10). 2 of the submissions do not count toward it. Last evaluated 2026-01-28.

Conditions:
MLC1-related disorder. Also called: MLC1-related condition.
Megalencephalic leukoencephalopathy with subcortical cysts. Also called: VAN DER KNAAP DISEASE. Identifiers: Orphanet 2478, MedGen C1858854, MONDO:0011391.
Megalencephalic leukoencephalopathy with subcortical cysts 1 (MLC1). Also called: LEUKOENCEPHALOPATHY WITH SWELLING AND CYSTS; VACUOLATING MEGALENCEPHALIC LEUKOENCEPHALOPATHY WITH SUBCORTICAL CYSTS. Identifiers: Orphanet 2478, MedGen C5779875, MONDO:0024555, OMIM 604004.

Allele frequency attached by ClinVar (database versions not stated): gnomAD exomes 0.00005 and 0.00013; TOPMed 0.00005; gnomAD 0.00006; ExAC 0.00021.

Submissions (14):

Labcorp Genetics (formerly Invitae), Labcorp
Classification: Likely pathogenic. Last evaluated: 2026-01-28. Review status: criteria provided, single submitter. Criteria: Invitae Variant Classification Sherloc (09022015). Collection method: clinical testing. Allele origin: germline.
Comment: This sequence change replaces proline, which is neutral and non-polar, with serine, which is neutral and polar, at codon 92 of the MLC1 protein (p.Pro92Ser). This variant is present in population databases (rs121908345, gnomAD 0.2%). This missense change has been observed in individual(s) with megalencephalic leukoencephalopathy with subcortical cysts (PMID: 11935341, 16470554, 21145992, 39039223). ClinVar contains an entry for this variant (Variation ID: 4719). Invitae Evidence Modeling of protein sequence and biophysical properties (such as structural, functional, and spatial information, amino acid conservation, physicochemical variation, residue mobility, and thermodynamic stability) has been performed for this missense variant. However, the output from this modeling did not meet the statistical confidence thresholds required to predict the impact of this variant on MLC1 protein function. Experimental studies have shown that this missense change affects MLC1 function (PMID: 18757878, 23793458). In summary, the currently available evidence indicates that the variant is pathogenic, but additional data are needed to prove that conclusively. Therefore, this variant has been classified as Likely Pathogenic.

Variantyx, Inc.
Classification: Likely pathogenic for Megalencephalic leukoencephalopathy with subcortical cysts 1. Last evaluated: 2025-11-18. Review status: criteria provided, single submitter. Criteria: Variantyx Assertion Criteria 2022. Collection method: clinical testing. Allele origin: germline. Inheritance: Autosomal recessive inheritance. Affected: no.
Comment: This is a nonsynonymous variant in the MLC1 gene (OMIM: 605908). Pathogenic variants in this gene have been associated with autosomal recessive megalencephalic leukoencephalopathy with subcortical cysts 1. This variant has been identified in the homozygous or compound heterozygous state in multiple affected individuals reported in the published literature (PMID: 11935341, 16470554, 21145992, 39039223) (PM3). Functional studies have shown that this variant alters MLC1 protein function (PMID: 23793458, 31888684, 18757878) (PS3), and multiple computational algorithms predict a deleterious effect for this variant (REVEL score: 0.944) (PP3). This variant has a 0.0027% maximum allele frequency in non-founder control populations (PM2). Based on the current evidence, this variant is classified as likely pathogenic for autosomal recessive megalencephalic leukoencephalopathy with subcortical cysts 1.

Mayo Clinic Laboratories, Mayo Clinic
Classification: Likely pathogenic. Last evaluated: 2025-08-07. Review status: criteria provided, single submitter. Criteria: ACMG Guidelines, 2015. Collection method: clinical testing. Allele origin: germline. Observed: 2 variant alleles.
Comment: PP3_strong, PM2_supporting, PM3, PS3_moderate

Natera, Inc.
Classification: Likely pathogenic for Megalencephalic leukoencephalopathy with subcortical cysts. Last evaluated: 2025-05-02. Review status: criteria provided, single submitter. Criteria: Natera Variant Classification Schema (03/2026). Collection method: clinical testing. Allele origin: germline.
Comment: The c.274C>T variant in MLC1 is a missense variant predicted to cause substitution of proline to serine at amino acid 92. The frequency of this variant in the general population is greater than expected for disorder. This variant has been observed in one or more individuals affected with the associated recessive disease, as either homozygous or compound heterozygous with a second variant (PMID: 11935341, 16470554, 21145992, 39039223). Functional studies show that this variant may disrupt protein function (PMID: 34531445). Computational prediction algorithms indicate this variant is likely to affect gene or protein function. Given the available evidence, this variant is classified as Likely Pathogenic.

Blueprint Genetics
Classification: Likely pathogenic for MLC1-related disorders. Last evaluated: 2024-09-23. Review status: criteria provided, single submitter. Criteria: ACMG Guidelines, 2015. Collection method: clinical testing. Allele origin: germline. Affected: yes. Observed: 5 variant alleles.

Fulgent Genetics
Classification: Likely pathogenic for Megalencephalic leukoencephalopathy with subcortical cysts 1. Last evaluated: 2024-04-11. Review status: criteria provided, single submitter. Criteria: ACMG Guidelines, 2015. Collection method: clinical testing. Allele origin: germline.

Institute of Human Genetics, FAU Erlangen, Friedrich-Alexander-Universität Erlangen-Nürnberg
Classification: Pathogenic for Megalencephalic leukoencephalopathy with subcortical cysts 1. Last evaluated: 2024-03-19. Review status: criteria provided, single submitter. Criteria: Hauer et al. (Genet Med. 2018). Collection method: clinical testing. Allele origin: germline. Inheritance: Autosomal recessive inheritance. Affected: yes. Observed: 2 variant alleles.
Comment: This variant has been identified by standard clinical testing. in trans with MLC1 (NM_015166.4): c.423+1G>T

CeGaT Center for Human Genetics Tuebingen
Classification: Likely pathogenic. Last evaluated: 2023-10-01. Review status: criteria provided, single submitter. Criteria: CeGaT Center For Human Genetics Tuebingen Variant Classification Criteria Version 2. Collection method: clinical testing. Allele origin: germline. Affected: yes. Observed: 1 variant allele.
Comment: MLC1: PM2, PM3, PM5, PP4, PS3:Supporting

Greenwood Genetic Center Diagnostic Laboratories, Greenwood Genetic Center
Classification: Likely pathogenic for Megalencephalic leukoencephalopathy with subcortical cysts 1. Last evaluated: 2022-10-03. Review status: criteria provided, single submitter. Criteria: ACMG Guidelines, 2015. Collection method: clinical testing. Allele origin: germline. Affected: yes.
Comment: PS3, PM2, PP3

Department of Pathology and Laboratory Medicine, Sinai Health System
Classification: Likely pathogenic for Megalencephalic leukoencephalopathy with subcortical cysts 1. Last evaluated: 2022-04-26. Review status: criteria provided, single submitter. Criteria: ACMG Guidelines, 2015. Collection method: research. Allele origin: germline.

Women's Health and Genetics/Laboratory Corporation of America, LabCorp
Classification: Pathogenic for Megalencephalic leukoencephalopathy with subcortical cysts. Last evaluated: 2022-02-24. Review status: criteria provided, single submitter. Criteria: LabCorp Variant Classification Summary - May 2015. Collection method: clinical testing. Allele origin: germline.
Comment: Variant summary: MLC1 c.274C>T (p.Pro92Ser) results in a non-conservative amino acid change in the encoded protein sequence. Five of five in-silico tools predict a damaging effect of the variant on protein function. The variant allele was found at a frequency of 0.00013 in 232710 control chromosomes. This frequency is not significantly higher than expected for a pathogenic variant in MLC1 causing Megalencephalic Leukoencephalopathy With Subcortical Cysts 1 (0.00013 vs 0.0011), allowing no conclusion about variant significance. c.274C>T has been reported in the literature in multiple individuals affected with Megalencephalic Leukoencephalopathy With Subcortical Cysts 1 (example, Leegwater_2002, Ben-Zeev_2002, Montagna_2006). These data indicate that the variant is very likely to be associated with disease. At least one publication reports experimental evidence evaluating an impact on protein function (example Duarri_2008). The most pronounced variant effect results in localization within the lysosomes after internalization from the plasma membrane. Four clinical diagnostic laboratories have submitted clinical-significance assessments for this variant to ClinVar after 2014 without evidence for independent evaluation. All laboratories classified the variant as likely pathogenic. Based on the evidence outlined above, the variant was classified as pathogenic.

Illumina Laboratory Services, Illumina
Classification: Likely pathogenic for Megalencephalic leukoencephalopathy with subcortical cysts 1. Last evaluated: 2017-04-27. Review status: criteria provided, single submitter. Criteria: ICSL Variant Classification Criteria 09 May 2019. Collection method: clinical testing. Allele origin: germline.
Comment: The MLC1 c.274C>T (p.Pro92Ser) missense variant has been identified in a compound heterozygous state in at least three individuals with megalencephalic leukoencephalopathy, in a heterozygous state in two affected individuals in whom a second variant was not identified, and in one affected individual in whom a second variant was found but zygosity was not confirmed (Leegwater et al. 2002; Ben-Zeev et al. 2002; Montagna et al. 2006; Yuzbasioglu et al. 2011). The p.Pro92Ser variant was absent from 240 control alleles and is reported at a frequency of 0.00037 in the European (non-Finnish) population of the Exome Aggregation Consortium. Functional studies using HeLa and COS cells demonstrated reduced surface expression of the p.Pro92Ser-MLC1 protein compared to wild type. The variant protein was confined to late endosomes/lysosomes instead of recycling endosomes (Duarri et al. 2008). Based on the evidence, the p.Pro92Ser variant is classified as likely pathogenic for megalencephalic leukoencephalopathy with subcortical cysts. This variant was observed by ICSL as part of a predisposition screen in an ostensibly healthy population.

Counsyl
Classification: Likely pathogenic for Megalencephalic leukoencephalopathy with subcortical cysts 1. Last evaluated: 2016-01-08. Review status: no assertion criteria provided. Collection method: clinical testing. Allele origin: unknown. Not counted in ClinVar's aggregate classification.

OMIM
Classification: Pathogenic for MEGALENCEPHALIC LEUKOENCEPHALOPATHY WITH SUBCORTICAL CYSTS 1. Last evaluated: 2002-08-01. Review status: no assertion criteria provided. Collection method: literature only. Allele origin: germline. Not counted in ClinVar's aggregate classification.

Literature cited by the submitters: PubMed 11935341 (cited by 8 submitters); PubMed 16470554 (cited by 7 submitters); PubMed 21145992 (cited by 6 submitters); PubMed 39039223 (cited by 4 submitters); PubMed 18757878 (cited by 6 submitters); PubMed 23793458 (cited by 4 submitters); PubMed 31888684 (cited by Variantyx, Inc.); PubMed 12189496 (cited by 5 submitters); PubMed 25333069 (cited by Mayo Clinic Laboratories, Mayo Clinic); PubMed 31589614 (cited by Mayo Clinic Laboratories, Mayo Clinic); PubMed 34531445 (cited by Natera, Inc.); PubMed 22405205 (cited by Counsyl); PubMed 11254442 (cited by OMIM).